The following is an entry in ClinVar:

ClinVar aggregate classification (germline): Likely pathogenic. Review status: criteria provided, multiple submitters, no conflicts (2 of 4 stars). 3 submissions from 3 submitters: Likely pathogenic (2). 1 of the submissions does not count toward it. Last evaluated 2022-06-24.

Conditions:
Cholesteryl ester storage disease (CESD). Also called: Childhood/Adult-Onset LAL-D (Cholesterol Ester Storage Disease [CESD]). Identifiers: Orphanet 75234, MedGen C0008384, MONDO:0019149, OMIM 278000.
Wolman disease (WOLD). Also called: Wolman disease, CESD; LYSOSOMAL ACID LIPASE DEFICIENCY, ACUTE INFANTILE; LYSOSOMAL ACID LIPASE DEFICIENCY, COMPLETE; LIPA DEFICIENCY, COMPLETE; LAL DEFICIENCY, COMPLETE; CHOLESTEROL ESTER HYDROLASE DEFICIENCY, COMPLETE. Identifiers: Orphanet 75233, MedGen C0043208, MONDO:0019148, OMIM 620151.
Lysosomal acid lipase deficiency. Also called: Acid cholesteryl ester hydrolase deficiency, type 2. Identifiers: Orphanet 275761, MedGen C5574740, MONDO:0800449, MONDO:0010204.

Allele frequency attached by ClinVar (database versions not stated): gnomAD exomes below 0.00001.
gnomAD v4.1: 2 of 1,614,240 alleles (0.00012%); highest among the groups gnomAD compares: Non-Finnish European, 0.00017%; no homozygotes.

Submissions (3):

Women's Health and Genetics/Laboratory Corporation of America, LabCorp
Classification: Likely pathogenic for Wolman disease. Last evaluated: 2022-06-24. Review status: criteria provided, single submitter. Criteria: LabCorp Variant Classification Summary - May 2015. Collection method: clinical testing. Allele origin: germline.
Comment: Variant summary: LIPA c.283T>A (p.Trp95Arg) results in a non-conservative amino acid change located in the alpha/beta hydrolase fold-1 domain (IPR000073) of the encoded protein sequence. Five of five in-silico tools predict a damaging effect of the variant on protein function. The variant allele was found at a frequency of 4e-06 in 251384 control chromosomes (gnomAD). c.283T>A has been reported in the literature in at least one individual affected with Lysosomal Acid Lipase Deficiency (Elleder_1999). In an enzyme activity assay, the variant was found to have 5% of wild-type activity, indicating that it has a negative impact on protein function (Vinje_2018). A follow-up study also showed that the variant resulted in a protein that was not efficiently transported out of the ER (Vinje_2019). Two assessments for this variant have been submitted to ClinVar after 2014. One laboratory classified the variant as likely pathogenic, and one laboratory classified the variant as uncertain significance. Based on the evidence outlined above, the variant was classified as likely pathogenic.

Alexion, Astrazeneca Rare Disease, Astrazeneca
Classification: Likely pathogenic for Lysosomal acid lipase deficiency. Last evaluated: 2019-06-01. Review status: criteria provided, single submitter. Criteria: ACMG Guidelines, 2015. Collection method: research. Allele origin: germline. Affected: yes.
Comment: ACMG PS3 criterion ascertained by in-vitro functional study, PMID:31180157

Counsyl
Classification: Uncertain significance for Cholesteryl ester storage disease. Last evaluated: 2017-09-05. Review status: no assertion criteria provided. Collection method: clinical testing. Allele origin: unknown. Not counted in ClinVar's aggregate classification.

Literature cited by the submitters: PubMed 29196158 (cited by Women's Health and Genetics/Laboratory Corporation of America, LabCorp); PubMed 23485521 (cited by Women's Health and Genetics/Laboratory Corporation of America, LabCorp); PubMed 10746035 (cited by Women's Health and Genetics/Laboratory Corporation of America, LabCorp and Counsyl); PubMed 31131398 (cited by Women's Health and Genetics/Laboratory Corporation of America, LabCorp); PubMed 31180157 (cited by Alexion, Astrazeneca Rare Disease, Astrazeneca); PubMed 24792990 (cited by Alexion, Astrazeneca Rare Disease, Astrazeneca).

NM_000235.4(LIPA):c.283T>A (p.Trp95Arg)

Gene: LIPA (lipase A, lysosomal acid type; minus strand). Cytogenetic location: 10q23.31.
Variant type: single nucleotide variant.
Coding change: c.283T>A on transcript NM_000235.4 (MANE Select); coding-DNA position 283, T replaced by A.
Protein change: p.Trp95Arg; replaces tryptophan 95 with arginine.
Molecular consequence: missense variant. On other transcripts: 5 prime UTR variant (1).
Genome position (GRCh38, 1-based): chr10:89,228,345, A>T on the plus strand (T>A on the coding strand, the complement: LIPA is on the minus strand). VCF-style: chr10-89228345-A-T. GRCh37 (hg19) VCF-style: chr10-90988102-A-T.
Other names: c.283T>A, p.Trp95Arg (NM_001127605.3); c.-66T>A (NM_001288979.2); short protein forms W95R.
Identifiers: ClinVar variation 553714 (VCV000553714.6), dbSNP rs1554866097, ClinGen allele CA377518046.